The following is an entry in ClinVar:

ClinVar aggregate classification (germline): Likely benign. Review status: criteria provided, multiple submitters, no conflicts (2 of 4 stars). 3 submissions from 3 submitters: Likely benign (3). Last evaluated 2026-01-01.

Conditions:
Neurodevelopmental disorder with or without hyperkinetic movements and seizures, autosomal dominant. Also called: Intellectual disability, autosomal dominant 8. Identifiers: MedGen C3280282, MONDO:0013655, OMIM 614254.

Allele frequency attached by ClinVar (database versions not stated): gnomAD 0.00001; gnomAD exomes 0.00001 and 0.00002; TOPMed 0.00001; ExAC 0.00003.

Submissions (3):

CeGaT Center for Human Genetics Tuebingen
Classification: Likely benign. Last evaluated: 2026-01-01. Review status: criteria provided, single submitter. Criteria: CeGaT Center For Human Genetics Tuebingen Variant Classification Criteria Version 2. Collection method: clinical testing. Allele origin: germline. Affected: yes. Observed: 1 variant allele.
Comment: GRIN1: BP4, BP7

Labcorp Genetics (formerly Invitae), Labcorp
Classification: Likely benign for Neurodevelopmental disorder with or without hyperkinetic movements and seizures, autosomal dominant. Last evaluated: 2025-08-06. Review status: criteria provided, single submitter. Criteria: Invitae Variant Classification Sherloc (09022015). Collection method: clinical testing. Allele origin: germline.

GeneDx
Classification: Likely benign. Last evaluated: 2023-03-13. Review status: criteria provided, single submitter. Criteria: GeneDx Variant Classification Process June 2021. Collection method: clinical testing. Allele origin: germline. Affected: yes.
Comment: See Variant Classification Assertion Criteria.

NM_007327.4(GRIN1):c.822C>T (p.Gly274=)

Gene: GRIN1 (glutamate ionotropic receptor NMDA type subunit 1; plus strand). Cytogenetic location: 9q34.3.
Variant type: single nucleotide variant.
Coding change: c.822C>T on transcript NM_007327.4 (MANE Select); coding-DNA position 822, C replaced by T.
Protein change: p.Gly274=; no amino-acid change (glycine 274 retained).
Molecular consequence: synonymous variant.
Genome position (GRCh38, 1-based): chr9:137,156,891, C>T. VCF-style: chr9-137156891-C-T. GRCh37 (hg19) VCF-style: chr9-140051343-C-T.
Other names: c.822C>T (NM_007327.3); c.822C>T, p.Gly274= (NM_000832.7, NM_021569.4); c.885C>T, p.Gly295= (NM_001185090.2, NM_001185091.2).
Identifiers: ClinVar variation 1403946 (VCV001403946.10), dbSNP rs753815068, ClinGen allele CA5360773.
Genomic context (GRCh38, chr9:137,156,891, plus strand): 5'-CCCCACGGGCTCTGAGTCGCATGCTCGCCTAGGCATCCTCGGGCTGCAGCTCATCAACGG[C>T]AAGAACGAGTCGGCCCACATCAGCGACGCCGTGGGCGTGGTGGCCCAGGCCGTGCACGAG-3'
Protein context (NP_015566.1, residues 264-284): DGILGLQLIN[Gly274=]KNESAHISDA